The following is an entry in ClinVar:

ClinVar aggregate classification (germline): Pathogenic/Likely pathogenic. Review status: criteria provided, multiple submitters, no conflicts (2 of 4 stars). 4 submissions from 4 submitters: Pathogenic (2); Likely pathogenic (1). 1 of the submissions does not count toward it. Last evaluated 2025-04-08.

Conditions:
Maple syrup urine disease type 1B (MSUD1B). Also called: MSUD type IB; MSUD type 3 (formerly); MSUD due to deficiency of e1-beta subunit of branched-chain alpha-keto acid dehydrogenase complex. Identifiers: MedGen C2930990, MONDO:0023692, OMIM 620698.
Maple syrup urine disease type 1A (MSUD1A). Also called: MSUD type 1A. Identifiers: MedGen C1855369, MONDO:0023691, OMIM 248600.
Maple syrup urine disease (MSUD). Identifiers: Orphanet 511, MedGen C0024776, MeSH D008375, MONDO:0009563. Disease mechanism: loss of function.

Allele frequency attached by ClinVar (database versions not stated): gnomAD exomes below 0.00001 and 0.00001.

Submissions (4):

Natera, Inc.
Classification: Likely pathogenic for Maple syrup urine disease type 1B. Last evaluated: 2025-04-08. Review status: criteria provided, single submitter. Criteria: Natera Variant Classification Schema (03/2026). Collection method: clinical testing. Allele origin: germline.
Comment: The c.79_89del variant in BCKDHB is a frameshift variant predicted to shift the reading frame beginning at codon 27 and leads to a stop codon 53 codons downstream. This variant is expected to result in nonsense mediated decay, truncation, or a dysfunctional protein product. This variant is rare in the general population with a frequency below the threshold expected for the associated phenotype(s). Given the available evidence, this variant is classified as Likely Pathogenic.

Labcorp Genetics (formerly Invitae), Labcorp
Classification: Pathogenic for Maple syrup urine disease. Last evaluated: 2022-12-21. Review status: criteria provided, single submitter. Criteria: Invitae Variant Classification Sherloc (09022015). Collection method: clinical testing. Allele origin: germline.
Comment: This variant has not been reported in the literature in individuals affected with BCKDHB-related conditions. This sequence change creates a premature translational stop signal (p.Pro27Alafs*53) in the BCKDHB gene. It is expected to result in an absent or disrupted protein product. Loss-of-function variants in BCKDHB are known to be pathogenic (PMID: 16786533, 22593002). This variant is present in population databases (no rsID available, gnomAD 0.004%). ClinVar contains an entry for this variant (Variation ID: 370823). Algorithms developed to predict the effect of sequence changes on RNA splicing suggest that this variant may disrupt the consensus splice site. For these reasons, this variant has been classified as Pathogenic.

Genome-Nilou Lab
Classification: Pathogenic for Maple syrup urine disease type 1A. Last evaluated: 2021-11-07. Review status: criteria provided, single submitter. Criteria: ACMG Guidelines, 2015. Collection method: clinical testing. Allele origin: germline. Affected: no.

Counsyl
Classification: Likely pathogenic for Maple syrup urine disease type 1A. Last evaluated: 2016-04-22. Review status: no assertion criteria provided. Collection method: clinical testing. Allele origin: unknown. Not counted in ClinVar's aggregate classification.

Literature cited by the submitters: PubMed 16786533 (cited by Labcorp Genetics (formerly Invitae), Labcorp); PubMed 22593002 (cited by Labcorp Genetics (formerly Invitae), Labcorp).

NM_183050.4(BCKDHB):c.79_89del (p.Pro27fs)

Gene: BCKDHB (branched chain keto acid dehydrogenase E1 subunit beta; plus strand). Cytogenetic location: 6q14.1.
Variant type: Deletion.
Coding change: c.79_89del on transcript NM_183050.4 (MANE Select); coding-DNA positions 79 to 89, 11 bases deleted (CCTGGCGCGGG).
Protein change: p.Pro27fs; shifts the reading frame from proline 27.
Molecular consequence: frameshift variant. On other transcripts: non-coding transcript variant (1), intron variant (1).
Genome position (GRCh38, 1-based): chr6:80,106,772-80,106,782, CCTGGCGCGGG deleted. VCF-style (leftmost placement, unchanged base first): chr6-80106771-TCCTGGCGCGGG-T. GRCh37 (hg19) VCF-style: chr6-80816488-TCCTGGCGCGGG-T.
Other names: c.79_89del, p.Pro27fs (NM_000056.5); c.-15+89_-15+99del (NM_001318975.1); c.79_89delCCTGGCGCGGG (NM_183050.2); c.79_89del (NM_183050.3); short protein forms P27fs.
Identifiers: ClinVar variation 370823 (VCV000370823.12), dbSNP rs1057516795, ClinGen allele CA16041092.
Genomic context (GRCh38, chr6:80,106,771, plus strand): 5'-GGCTGCCGGCTGGCTACTCAGGCTCAGGGCGGCAGGGGCTGAGGGGCACTGGCGTCGGCT[TCCTGGCGCGGG>T]GCTGGCGCGGGGCTTTTTGCACCCCGCCGCGACTGTCGAGGATGCGGCCCAGAGGCGGCA-3'